The following is an entry in ClinVar:

NM_001384910.1(GUCA1A):c.66C>A (p.Tyr22Ter)

Genes: GUCA1A (guanylate cyclase activator 1A; plus strand), GUCA1ANB-GUCA1A (GUCA1ANB-GUCA1A readthrough; plus strand). Cytogenetic location: 6p21.1.
Variant type: single nucleotide variant.
Coding change: c.66C>A on transcript NM_001384910.1 (MANE Select); coding-DNA position 66, C replaced by A.
Protein change: p.Tyr22Ter; replaces tyrosine 22 with a stop codon.
Molecular consequence: nonsense.
Genome position (GRCh38, 1-based): chr6:42,173,679, C>A. VCF-style: chr6-42173679-C-A. GRCh37 (hg19) VCF-style: chr6-42141417-C-A.
Other names: c.66C>A, p.Tyr22Ter (NM_000409.5, NM_001319061.2, NM_001319062.2); short protein forms Y22*.
Identifiers: ClinVar variation 853933 (VCV000853933.10), dbSNP rs1307424075, ClinGen allele CA364105401.
Genomic context (GRCh38, chr6:42,173,679, plus strand): 5'-CAACGTGATGGAGGGAAAGTCAGTGGAGGAGCTGAGCAGCACCGAGTGCCACCAGTGGTA[C>A]AAGAAGTTCATGACTGAGTGCCCCTCTGGCCAACTCACCCTCTATGAGTTCCGCCAGTTC-3'

ClinVar aggregate classification (germline): Uncertain significance. Review status: criteria provided, multiple submitters, no conflicts (2 of 4 stars). 2 submissions from 2 submitters: Uncertain significance (2). Last evaluated 2024-08-08.

Allele frequency attached by ClinVar (database versions not stated): gnomAD 0.00001; gnomAD exomes 0.00001; TOPMed 0.00001.
gnomAD v4.1: 43 of 1,614,022 alleles (0.0027%); highest among the groups gnomAD compares: Non-Finnish European, 0.0036%; no homozygotes.

Submissions (2):

Labcorp Genetics (formerly Invitae), Labcorp
Classification: Uncertain significance. Last evaluated: 2024-08-08. Review status: criteria provided, single submitter. Criteria: Invitae Variant Classification Sherloc (09022015). Collection method: clinical testing. Allele origin: germline.
Comment: This sequence change creates a premature translational stop signal (p.Tyr22*) in the GUCA1A gene. It is expected to result in an absent or disrupted protein product. However, the current clinical and genetic evidence is not sufficient to establish whether loss-of-function variants in GUCA1A cause disease. This variant is present in population databases (no rsID available, gnomAD 0.002%). This premature translational stop signal has been observed in individuals with clinical features of GUCA1A-related conditions (PMID: 34327195; Invitae). ClinVar contains an entry for this variant (Variation ID: 853933). In summary, the available evidence is currently insufficient to determine the role of this variant in disease. Therefore, it has been classified as a Variant of Uncertain Significance.

Blueprint Genetics
Classification: Uncertain significance. Last evaluated: 2024-05-24. Review status: criteria provided, single submitter. Criteria: ACMG Guidelines, 2015. Collection method: clinical testing. Allele origin: germline.

Literature cited by the submitters: PubMed 34327195 (cited by Labcorp Genetics (formerly Invitae), Labcorp).